The following is an entry in ClinVar:

NM_000642.3(AGL):c.2771A>C (p.Asp924Ala)

Gene: AGL (amylo-alpha-1,6-glucosidase and 4-alpha-glucanotransferase; plus strand). Cytogenetic location: 1p21.2.
Variant type: single nucleotide variant.
Coding change: c.2771A>C on transcript NM_000642.3 (MANE Select); coding-DNA position 2771, A replaced by C.
Protein change: p.Asp924Ala; replaces aspartic acid 924 with alanine.
Molecular consequence: missense variant.
Genome position (GRCh38, 1-based): chr1:99,888,067, A>C. VCF-style: chr1-99888067-A-C. GRCh37 (hg19) VCF-style: chr1-100353623-A-C.
Other names: p.Asp924Ala; c.2771A>C, p.Asp924Ala (NM_000028.3, NM_000643.3, NM_000644.3 and 2 more transcripts); c.2723A>C, p.Asp908Ala (NM_000646.3); c.2570A>C, p.Asp857Ala (NM_001425327.1); c.2567A>C, p.Asp856Ala (NM_001425328.1); c.2432A>C, p.Asp811Ala (NM_001425329.1); c.2393A>C, p.Asp798Ala (NM_001425332.1); short protein forms D924A, D908A, D798A, D811A, D856A, D857A.
Identifiers: ClinVar variation 291338 (VCV000291338.15), dbSNP rs761479006, ClinGen allele CA966886.
Genomic context (GRCh38, chr1:99,888,067, plus strand): 5'-TAAATCAGATCCTTTACCGATGTGAATCAGAAGAAAAGGAAGATGGTGGAGGGTGCTATG[A>C]CATACCAAACTGGTCAGCCCTTAAATATGCAGGTCTTCAAGGTAAGCAAATGGAAGGATA-3'
Protein context (NP_000633.2, residues 914-934): EEKEDGGGCY[Asp924Ala]IPNWSALKYA

ClinVar aggregate classification (germline): Uncertain significance. Review status: criteria provided, multiple submitters, no conflicts (2 of 4 stars). 8 submissions from 8 submitters: Uncertain significance (7). 1 of the submissions does not count toward it. Last evaluated 2025-09-27.

Conditions:
Glycogen storage disease type III (GSD3). Also called: FORBES DISEASE; Cori disease. Identifiers: Orphanet 366, MedGen C0017922, MONDO:0009291, OMIM 232400.
Inborn genetic diseases. Identifiers: MedGen C0950123, MeSH D030342.

Allele frequency attached by ClinVar (database versions not stated): ExAC 0.00004; gnomAD exomes 0.00004; gnomAD 0.00008 and 0.00009; TOPMed 0.00008.
gnomAD v4.1: 250 of 1,613,416 alleles (0.015%); highest among the groups gnomAD compares: Non-Finnish European, 0.019%; no homozygotes.

Submissions (8):

Mayo Clinic Laboratories, Mayo Clinic
Classification: Uncertain significance. Last evaluated: 2025-09-27. Review status: criteria provided, single submitter. Criteria: ACMG Guidelines, 2015. Collection method: clinical testing. Allele origin: germline. Observed: 1 variant allele.
Comment: BP4_moderate

Ambry Genetics
Classification: Uncertain significance for Inborn genetic diseases. Last evaluated: 2024-11-24. Review status: criteria provided, single submitter. Criteria: Ambry Variant Classification Scheme 2023. Collection method: clinical testing. Allele origin: germline.

Blueprint Genetics
Classification: Uncertain significance. Last evaluated: 2024-02-27. Review status: criteria provided, single submitter. Criteria: ACMG Guidelines, 2015. Collection method: clinical testing. Allele origin: germline.

Labcorp Genetics (formerly Invitae), Labcorp
Classification: Uncertain significance for Glycogen storage disease type III. Last evaluated: 2022-08-09. Review status: criteria provided, single submitter. Criteria: Invitae Variant Classification Sherloc (09022015). Collection method: clinical testing. Allele origin: germline.
Comment: This sequence change replaces aspartic acid, which is acidic and polar, with alanine, which is neutral and non-polar, at codon 924 of the AGL protein (p.Asp924Ala). This variant is present in population databases (rs761479006, gnomAD 0.01%). This variant has not been reported in the literature in individuals affected with AGL-related conditions. ClinVar contains an entry for this variant (Variation ID: 291338). Algorithms developed to predict the effect of missense changes on protein structure and function (SIFT, PolyPhen-2, Align-GVGD) all suggest that this variant is likely to be tolerated. In summary, the available evidence is currently insufficient to determine the role of this variant in disease. Therefore, it has been classified as a Variant of Uncertain Significance.

Genome-Nilou Lab
Classification: Uncertain significance for Glycogen storage disease type III. Last evaluated: 2021-07-15. Review status: criteria provided, single submitter. Criteria: ACMG Guidelines, 2015. Collection method: clinical testing. Allele origin: germline. Affected: no.

Fulgent Genetics
Classification: Uncertain significance for Glycogen storage disease type III. Last evaluated: 2021-07-07. Review status: criteria provided, single submitter. Criteria: ACMG Guidelines, 2015. Collection method: clinical testing. Allele origin: unknown.

Illumina Laboratory Services, Illumina
Classification: Uncertain significance for Glycogen storage disease type III. Last evaluated: 2018-01-12. Review status: criteria provided, single submitter. Criteria: ICSL Variant Classification Criteria 13 December 2019. Collection method: clinical testing. Allele origin: germline.

Natera, Inc.
Classification: Uncertain significance for Glycogen storage disease type III. Last evaluated: 2020-01-17. Review status: no assertion criteria provided. Collection method: clinical testing. Allele origin: germline. Not counted in ClinVar's aggregate classification.